The following is an entry in ClinVar:

NM_000108.5(DLD):c.764T>C (p.Met255Thr)

Gene: DLD (dihydrolipoamide dehydrogenase; plus strand). Cytogenetic location: 7q31.1.
Variant type: single nucleotide variant.
Coding change: c.764T>C on transcript NM_000108.5 (MANE Select); coding-DNA position 764, T replaced by C.
Protein change: p.Met255Thr; replaces methionine 255 with threonine.
Molecular consequence: missense variant.
Genome position (GRCh38, 1-based): chr7:107,915,585, T>C. VCF-style: chr7-107915585-T-C. GRCh37 (hg19) VCF-style: chr7-107556030-T-C.
Other names: c.467T>C, p.Met156Thr (NM_001289750.1); c.695T>C, p.Met232Thr (NM_001289751.1); c.620T>C, p.Met207Thr (NM_001289752.1); short protein forms M156T, M207T, M232T, M255T.
Identifiers: ClinVar variation 1212774 (VCV001212774.10), dbSNP rs185710460, ClinGen allele CA164257687.
Genomic context (GRCh38, chr7:107,915,585, plus strand): 5'-TTGGTGCAGATGTGACAGCAGTTGAATTTTTAGGTCATGTAGGTGGAGTTGGAATTGATA[T>C]GGAGATATCTAAAAACTTTCAACGCATCCTTCAAAAACAGGGGTTTAAATTTAAATTGAA-3'
Protein context (NP_000099.2, residues 245-265): LGHVGGVGID[Met255Thr]EISKNFQRIL

ClinVar aggregate classification (germline): Uncertain significance. Review status: criteria provided, multiple submitters, no conflicts (2 of 4 stars). 4 submissions from 4 submitters: Uncertain significance (3). 1 of the submissions does not count toward it. Last evaluated 2025-10-18.

Conditions:
Inborn genetic diseases. Identifiers: MedGen C0950123, MeSH D030342.
Pyruvate dehydrogenase E3 deficiency (DLDD). Also called: Lipoamide dehydrogenase deficiency; DLD DEFICIENCY; Dihydrolipoamide Dehydrogenase Deficiency; Dihydrolipoamide Dehydrogenase E3 Deficiency; Lipoamide dehydrogenase deficiency, lactic acidosis due to; Dihydrolipoamide Dehydrogenase (E3) Deficiency. Identifiers: Orphanet 2394, Orphanet 765, MedGen C5574660, MONDO:0009529, OMIM 246900.

Allele frequency attached by ClinVar (database versions not stated): gnomAD 0.00004 and 0.00006; gnomAD exomes 0.00004; TOPMed 0.00005; 1000 Genomes Project 30x 0.00016; 1000 Genomes Project 0.00020.
gnomAD v4.1: 80 of 1,613,816 alleles (0.005%); highest among the groups gnomAD compares: Middle Eastern, 0.017%; no homozygotes.

Submissions (4):

Ambry Genetics
Classification: Uncertain significance for Inborn genetic diseases. Last evaluated: 2025-10-18. Review status: criteria provided, single submitter. Criteria: Ambry Variant Classification Scheme 2023. Collection method: clinical testing. Allele origin: germline.

Labcorp Genetics (formerly Invitae), Labcorp
Classification: Uncertain significance for Pyruvate dehydrogenase E3 deficiency. Last evaluated: 2022-04-18. Review status: criteria provided, single submitter. Criteria: Invitae Variant Classification Sherloc (09022015). Collection method: clinical testing. Allele origin: germline.
Comment: This sequence change replaces methionine, which is neutral and non-polar, with threonine, which is neutral and polar, at codon 255 of the DLD protein (p.Met255Thr). This variant is present in population databases (rs185710460, gnomAD 0.008%). This variant has not been reported in the literature in individuals affected with DLD-related conditions. ClinVar contains an entry for this variant (Variation ID: 1212774). Algorithms developed to predict the effect of missense changes on protein structure and function (SIFT, PolyPhen-2, Align-GVGD) all suggest that this variant is likely to be tolerated. In summary, the available evidence is currently insufficient to determine the role of this variant in disease. Therefore, it has been classified as a Variant of Uncertain Significance.

GeneDx
Classification: Uncertain significance. Last evaluated: 2020-12-03. Review status: criteria provided, single submitter. Criteria: GeneDx Variant Classification Process June 2021. Collection method: clinical testing. Allele origin: germline. Affected: yes.
Comment: Not observed at a significant frequency in large population cohorts (Lek et al., 2016); In silico analysis supports that this missense variant does not alter protein structure/function; Has not been previously published as pathogenic or benign to our knowledge

Natera, Inc.
Classification: Uncertain significance for Maple syrup urine disease type 3. Last evaluated: 2020-02-26. Review status: no assertion criteria provided. Collection method: clinical testing. Allele origin: germline. Not counted in ClinVar's aggregate classification.